The following is an entry in ClinVar:

NM_000352.6(ABCC8):c.2368G>A (p.Glu790Lys)

Genes: ABCC8 (ATP binding cassette subfamily C member 8; minus strand), LOC110121471 (VISTA enhancer hs1977; plus strand). Cytogenetic location: 11p15.1.
Variant type: single nucleotide variant.
Coding change: c.2368G>A on transcript NM_000352.6 (MANE Select); coding-DNA position 2368, G replaced by A.
Protein change: p.Glu790Lys; replaces glutamic acid 790 with lysine.
Molecular consequence: missense variant. On other transcripts: non-coding transcript variant (1).
Genome position (GRCh38, 1-based): chr11:17,414,534, C>T on the plus strand (G>A on the coding strand, the complement: ABCC8 is on the minus strand). VCF-style: chr11-17414534-C-T. GRCh37 (hg19) VCF-style: chr11-17436081-C-T.
Other names: c.2371G>A, p.Glu791Lys (NM_001287174.3); c.2434G>A, p.Glu812Lys (NM_001351295.2); c.2368G>A, p.Glu790Lys (NM_001351296.2); c.2365G>A, p.Glu789Lys (NM_001351297.2); short protein forms E789K, E790K, E791K, E812K.
Identifiers: ClinVar variation 1687740 (VCV001687740.1), dbSNP rs1317396512, ClinGen allele CA379809131.

ClinVar aggregate classification (germline): Uncertain significance. Review status: criteria provided, single submitter (1 of 4 stars). 2 submissions from 1 submitter: Uncertain significance (2).

Conditions:
Maturity-onset diabetes of the young (MODY). Also called: Maturity onset diabetes mellitus in young. Identifiers: Orphanet 552, MedGen C0342276, MONDO:0018911, HP:0004904.
Transitory neonatal diabetes mellitus. Also called: Transient neonatal diabetes mellitus. Identifiers: MedGen C0342273, MONDO:0020525, HP:0008255.

Allele frequency attached by ClinVar (database versions not stated): gnomAD exomes below 0.00001; gnomAD 0.00001.
gnomAD v4.1: 2 of 1,614,108 alleles (0.00012%); highest among the groups gnomAD compares: South Asian, 0.0011%; no homozygotes.

Submissions (2):

Clinical Genomics, Uppaluri K&H Personalized Medicine Clinic
Classification: Uncertain significance for Transitory neonatal diabetes mellitus. Review status: criteria provided, single submitter. Criteria: K & H Uppaluri Personalized Medicine Clinic Variant Classification & Assertion Criteria_Updated V.1. Collection method: research. Allele origin: unknown. Inheritance: Somatic mutation.
Comment: Mutations in ABCC8 gene are associated with both neonatal diabetes mellitus as well as MODY. Patients with this mutation may have a better response to sulfonylureas. However, no sufficient evidence is found to ascertain the role of this particular variant (rs1317396512) in neonatal diabetes yet.

Clinical Genomics, Uppaluri K&H Personalized Medicine Clinic
Classification: Uncertain significance for Maturity-onset diabetes of the young. Review status: criteria provided, single submitter. Criteria: K & H Uppaluri Personalized Medicine Clinic Variant Classification & Assertion Criteria_Updated V.1. Collection method: research. Allele origin: unknown. Inheritance: Somatic mutation.
Comment: Mutations in ABCC8 gene are associated with both neonatal diabetes mellitus as well as MODY. Patients with this mutation may have a better response to sulfonylureas. However, no sufficient evidence is found to ascertain the role of this particular variant (rs1317396512) in MODY yet.

Literature cited by the submitters: PubMed 16885549; PubMed 21989597; PubMed 27538677; PubMed 18981553; PubMed 32027066; PubMed 16613899; PubMed 18025408; PubMed 32792356.